The following is an entry in ClinVar:

ClinVar aggregate classification (germline): Uncertain significance (1 of 4 stars; one submission).

Conditions:
Hereditary cancer-predisposing syndrome. Also called: Hereditary Cancer Syndrome; Hereditary neoplastic syndrome; Neoplastic Syndromes, Hereditary; Tumor predisposition. Identifiers: Orphanet 140162, MedGen C0027672, MeSH D009386, MONDO:0015356.

Submission:

Ambry Genetics
Classification: Uncertain significance for Hereditary cancer-predisposing syndrome. Last evaluated: 2025-05-08. Review status: criteria provided, single submitter. Criteria: Ambry Variant Classification Scheme 2023. Collection method: clinical testing. Allele origin: germline.
Comment: The p.T305I variant (also known as c.914C>T), located in coding exon 8 of the APC gene, results from a C to T substitution at nucleotide position 914. The threonine at codon 305 is replaced by isoleucine, an amino acid with similar properties. This variant was reported in individual(s) with features consistent with APC-related familial adenomatous polyposis (Ambry internal data). This amino acid position is highly conserved in available vertebrate species. In addition, in silico predictors for this gene do not accurately predict pathogenicity. Based on the available evidence, the clinical significance of this variant remains unclear.

NM_000038.6(APC):c.914C>T (p.Thr305Ile)

Gene: APC (APC regulator of Wnt signaling pathway; plus strand). Cytogenetic location: 5q22.2.
Variant type: single nucleotide variant.
Coding change: c.914C>T on transcript NM_000038.6 (MANE Select); coding-DNA position 914, C replaced by T.
Protein change: p.Thr305Ile; replaces threonine 305 with isoleucine.
Molecular consequence: missense variant. On other transcripts: non-coding transcript variant (2).
Genome position (GRCh38, 1-based): chr5:112,815,574, C>T. VCF-style: chr5-112815574-C-T. GRCh37 (hg19) VCF-style: chr5-112151271-C-T.
Other names: c.914C>T, p.Thr305Ile (NM_001127510.3, NM_001354895.2, NM_001354896.2 and 12 more transcripts); c.860C>T, p.Thr287Ile (NM_001127511.3); c.944C>T, p.Thr315Ile (NM_001354897.2, NM_001354902.2, NM_001407446.1); c.839C>T, p.Thr280Ile (NM_001354898.2, NM_001354904.2, NM_001407451.1); c.830C>T, p.Thr277Ile (NM_001354899.2, NM_001407452.1, NM_001407467.1 and 1 more transcripts); c.737C>T, p.Thr246Ile (NM_001354900.2, NM_001354901.2, NM_001354905.2 and 1 more transcripts); c.65C>T, p.Thr22Ile (NM_001354906.2, NM_001407470.1, NM_001407471.1 and 1 more transcripts); short protein forms T280I, T315I, T22I, T287I, T277I, T305I, T246I.
Identifiers: ClinVar variation 3926679 (VCV003926679.1).